The following is an entry in ClinVar:

ClinVar aggregate classification (germline): Pathogenic (1 of 4 stars; one submission).

Submission:

Labcorp Genetics (formerly Invitae), Labcorp
Classification: Pathogenic. Last evaluated: 2021-04-01. Review status: criteria provided, single submitter. Criteria: Invitae Variant Classification Sherloc (09022015). Collection method: clinical testing. Allele origin: germline.
Comment: For these reasons, this variant has been classified as Pathogenic. Advanced modeling of protein sequence and biophysical properties (such as structural, functional, and spatial information, amino acid conservation, physicochemical variation, residue mobility, and thermodynamic stability) performed at Invitae indicates that this missense variant is expected to disrupt TUBB2A protein function. This variant has been observed in individual(s) with clinical features of TUBB2A-related conditions (Invitae). In at least one individual the variant was observed to be de novo. The frequency data for this variant in the population databases is considered unreliable, as metrics indicate insufficient coverage at this position in the ExAC database. This sequence change replaces alanine with aspartic acid at codon 314 of the TUBB2A protein (p.Ala314Asp). The alanine residue is highly conserved and there is a moderate physicochemical difference between alanine and aspartic acid.

NM_001069.3(TUBB2A):c.941C>A (p.Ala314Asp)

Gene: TUBB2A (tubulin beta 2A class IIa; minus strand). Cytogenetic location: 6p25.2.
Variant type: single nucleotide variant.
Coding change: c.941C>A on transcript NM_001069.3 (MANE Select); coding-DNA position 941, C replaced by A.
Protein change: p.Ala314Asp; replaces alanine 314 with aspartic acid.
Molecular consequence: missense variant.
Genome position (GRCh38, 1-based): chr6:3,154,260, G>T on the plus strand (C>A on the coding strand, the complement: TUBB2A is on the minus strand). VCF-style: chr6-3154260-G-T. GRCh37 (hg19) VCF-style: chr6-3154494-G-T.
Other names: c.686C>A, p.Ala229Asp (NM_001310315.2); short protein forms A314D, A229D.
Identifiers: ClinVar variation 1459291 (VCV001459291.8), dbSNP rs2113785178, ClinGen allele CA362591613.
Genomic context (GRCh38, chr6:3,154,260, plus strand): 5'-TGCACGTTGAGCATCTGCTCGTCCACCTCCTTCATGGACATGCGGCCCCGGAAGATGGCA[G>T]CCACCGTCAGGTAGCGGCCGTGGCGCGGGTCGCAGGCGGCCATCATGTTCTTGGAGTCGA-3'
Protein context (NP_001060.1, residues 304-324): DPRHGRYLTV[Ala314Asp]AIFRGRMSMK